The following is an entry in ClinVar:

NM_001127198.5(TMC6):c.2117C>T (p.Pro706Leu)

Gene: TMC6 (transmembrane channel like 6; minus strand). Cytogenetic location: 17q25.3.
Variant type: single nucleotide variant.
Coding change: c.2117C>T on transcript NM_001127198.5 (MANE Select); coding-DNA position 2117, C replaced by T.
Protein change: p.Pro706Leu; replaces proline 706 with leucine.
Molecular consequence: missense variant. On other transcripts: non-coding transcript variant (4).
Genome position (GRCh38, 1-based): chr17:78,117,549, G>A on the plus strand (C>T on the coding strand, the complement: TMC6 is on the minus strand). VCF-style: chr17-78117549-G-A. GRCh37 (hg19) VCF-style: chr17-76113630-G-A.
Other names: c.2117C>T, p.Pro706Leu (NM_001321185.1, NM_001374596.1, NM_001375353.1 and 2 more transcripts); c.1937C>T, p.Pro646Leu (NM_001374593.1, NM_001374594.1); short protein forms P646L, P706L.
Identifiers: ClinVar variation 2421616 (VCV002421616.4), dbSNP rs1241750777, ClinGen allele CA401225216.
Genomic context (GRCh38, chr17:78,117,549, plus strand): 5'-AAGACAAAGAAGGTGTTTTCCATCAGGTACCGGTGCACCCAGGGCAGCCAGGAGACCCTG[G>A]GGCCTGCCGCCTCCAGGTGGCGCACCCACACCCTGCCGGCCTCGTACATGGTGTCCAGGG-3'
Protein context (NP_001120670.1, residues 696-716): VWVRHLEAAG[Pro706Leu]RVSWLPWVHR

ClinVar aggregate classification (germline): Uncertain significance (1 of 4 stars; one submission).

Conditions:
Epidermodysplasia verruciformis. Identifiers: Orphanet 302, MedGen C0014522, MONDO:0009176.

Allele frequency attached by ClinVar (database versions not stated): gnomAD 0.00001; gnomAD exomes 0.00001; TOPMed 0.00001.
gnomAD v4.1: 6 of 1,599,082 alleles (0.00038%); highest among the groups gnomAD compares: Admixed American, 0.0017%; no homozygotes.

Submission:

Labcorp Genetics (formerly Invitae), Labcorp
Classification: Uncertain significance for Epidermodysplasia verruciformis. Last evaluated: 2022-05-13. Review status: criteria provided, single submitter. Criteria: Invitae Variant Classification Sherloc (09022015). Collection method: clinical testing. Allele origin: germline.
Comment: This sequence change replaces proline, which is neutral and non-polar, with leucine, which is neutral and non-polar, at codon 706 of the TMC6 protein (p.Pro706Leu). The frequency data for this variant in the population databases is considered unreliable, as metrics indicate poor data quality at this position in the gnomAD database. This variant has not been reported in the literature in individuals affected with TMC6-related conditions. Algorithms developed to predict the effect of missense changes on protein structure and function are either unavailable or do not agree on the potential impact of this missense change (SIFT: "Not Available"; PolyPhen-2: "Benign"; Align-GVGD: "Not Available"). In summary, the available evidence is currently insufficient to determine the role of this variant in disease. Therefore, it has been classified as a Variant of Uncertain Significance.